The following is an entry in ClinVar:

NC_000007.13:g.(?_117304722)_(117308395_?)del

Gene: CFTR (CF transmembrane conductance regulator; plus strand). Cytogenetic location: 7q31.2.
Variant type: Deletion.
Identifiers: ClinVar variation 3245681 (VCV003245681.1).

ClinVar aggregate classification (germline): Pathogenic (1 of 4 stars; one submission).

Conditions:
Cystic fibrosis (CF). Also called: MUCOVISCIDOSIS. Identifiers: Orphanet 586, MedGen C0010674, MONDO:0009061, OMIM 219700. Disease mechanism: loss of function.

Submission:

Labcorp Genetics (formerly Invitae), Labcorp
Classification: Pathogenic for Cystic fibrosis. Last evaluated: 2023-12-05. Review status: criteria provided, single submitter. Criteria: Invitae Variant Classification Sherloc (09022015). Collection method: clinical testing. Allele origin: unknown.
Comment: This variant is a gross deletion of the genomic region encompassing exon(s) 25-27 of the CFTR gene, which includes the termination codon. This deletion extends beyond the assayed region for this gene and therefore may encompass additional genes. While this deletion is not anticipated to lead to nonsense mediated decay, it is expected to alter mRNA translation or result in a truncated protein product. A similar copy number variant has been observed in individuals with cystic fibrosis or isolated congenital bilateral absence of the vas deferens (PMID: 15841482, 16362824, 16481891, 17448246). This variant is also known as deletion of exons 22-24. This variant disrupts a region of the CFTR protein in which other variant(s) (exons 25-26 deletion (p.Val1322_Leu1414del)) have been determined to be pathogenic (PMID: 15024729, 16362824, 18683213; Invitae). This suggests that this is a clinically significant region of the protein, and that variants that disrupt it are likely to be disease-causing. For these reasons, this variant has been classified as Pathogenic.

Literature cited by the submitters: PubMed 15841482; PubMed 16362824; PubMed 16481891; PubMed 17448246; PubMed 15024729; PubMed 18683213.